The following is an entry in ClinVar:

NM_004004.6(GJB2):c.*1C>T

Gene: GJB2 (gap junction protein beta 2; minus strand). Cytogenetic location: 13q12.11.
Variant type: single nucleotide variant.
Coding change: c.*1C>T on transcript NM_004004.6 (MANE Select); 1 bases downstream of the stop codon, C replaced by T.
Molecular consequence: 3 prime UTR variant.
Genome position (GRCh38, 1-based): chr13:20,188,900, G>A on the plus strand (C>T on the coding strand, the complement: GJB2 is on the minus strand). VCF-style: chr13-20188900-G-A. GRCh37 (hg19) VCF-style: chr13-20763039-G-A.
Other names: c.*1C>T.
Identifiers: ClinVar variation 44715 (VCV000044715.30), dbSNP rs111033327, ClinGen allele CA134940.

ClinVar aggregate classification (germline): Conflicting classifications of pathogenicity. Review status: criteria provided, conflicting classifications (1 of 4 stars). 14 submissions from 12 submitters: Uncertain significance (1); Benign (2); Likely benign (8). 3 of the submissions do not count toward it. Last evaluated 2025-11-06.

Conditions:
GJB2-related disorder. Also called: GJB2-related condition; GJB2-related disorders. Identifiers: MedGen CN382183, MONDO:1060236.
Nonsyndromic genetic hearing loss. Also called: Nonsyndromic hearing loss and deafness; Non-syndromic genetic deafness; Nonsyndromic genetic deafness. Identifiers: Orphanet 87884, MedGen C5680182, MONDO:0019497.
Autosomal recessive nonsyndromic hearing loss 1A (DFNB1A). Also called: Connexin 26 deafness; Deafness nonsyndromic, Connexin 26 linked; GJB6-Related DFNB 1 Nonsyndromic Hearing Loss and Deafness; Deafness, autosomal recessive 1A; Nonsyndromic Hearing Loss and Deafness, DFNB1; GJB2-Related Autosomal Recessive Nonsyndromic Hearing Loss. Identifiers: Orphanet 90636, MedGen C2673759, MONDO:0009076, OMIM 220290.
Autosomal dominant nonsyndromic hearing loss 3A. Identifiers: Orphanet 90635, MedGen C2675750, MONDO:0011103, OMIM 601544.
Ichthyosis, hystrix-like, with hearing loss. Also called: Hystrix-like ichthyosis with deafness. Identifiers: Orphanet 477, MedGen C1865234, MONDO:0011245.

Allele frequency attached by ClinVar (database versions not stated): ESP Exome Variant Server 0.00039; gnomAD 0.00045 and 0.00046; 1000 Genomes Project 0.00080; ExAC 0.00042; TOPMed 0.00076; 1000 Genomes Project 30x 0.00109; gnomAD exomes 0.00038 and 0.00054.
gnomAD v4.1: 633 of 1,611,446 alleles (0.039%); highest among the groups gnomAD compares: Admixed American, 0.23%; no homozygotes.

Submissions (14):

Mayo Clinic Laboratories, Mayo Clinic
Classification: Likely benign. Last evaluated: 2025-11-06. Review status: criteria provided, single submitter. Criteria: ACMG Guidelines, 2015. Collection method: clinical testing. Allele origin: germline. Observed: 1 variant allele.
Comment: BS1_supporting, BP4, BP7

INGEBI, INGEBI / CONICET
Classification: Likely benign for Nonsyndromic hearing loss and deafness. Last evaluated: 2020-08-31. Review status: criteria provided, single submitter. Criteria: ClinGen HL ACMG Specifications v1. Collection method: clinical testing. Allele origin: germline. Inheritance: Autosomal recessive inheritance. Affected: yes. Observed: 2 variant alleles, 2 heterozygotes. Clinical features observed: Prelingual profound hearing loss.
Comment: Based on ACMG/AMP guidelines and Hearing Loss Expert Panel specific criteria: the filtering allele frequency of the c.*1C>T variant in GJB2 gene is 0,16% in latino population (72/35366 alleles with 95%CI) from Genome Aggregation Database (calculated by using inverse allele frequency at an online resource), which meets the BS1_Supporting rule. Bening computational veredict prediction from DANN and CADD predictors applying for BP4 rule. In summary, the c.*1C>T variant meets criteria to be classified likely benign (BS1_Supporting, BP4)

ARUP Laboratories, Molecular Genetics and Genomics, ARUP Laboratories
Classification: Likely benign. Last evaluated: 2019-08-21. Review status: criteria provided, single submitter. Criteria: ARUP Molecular Germline Variant Investigation Process. Collection method: clinical testing. Allele origin: germline.

GeneDx
Classification: Likely benign. Last evaluated: 2019-07-22. Review status: criteria provided, single submitter. Criteria: GeneDx Variant Classification Process June 2021. Collection method: clinical testing. Allele origin: germline. Affected: yes.
Comment: This variant is associated with the following publications: (PMID: 20022641, 17666888, 22567369, 15744158, 17041943)

Illumina Laboratory Services, Illumina
Classification: Likely benign for Autosomal recessive nonsyndromic hearing loss 1A. Last evaluated: 2017-04-27. Review status: criteria provided, single submitter. Criteria: ICSL Variant Classification Criteria 13 December 2019. Collection method: clinical testing. Allele origin: germline.
Comment: This variant was observed as part of a predisposition screen in an ostensibly healthy population. A literature search was performed for the gene, cDNA change, and amino acid change (where applicable). Publications were found based on this search. The evidence from the literature, in combination with allele frequency data from public databases where available, was sufficient to determine this variant is unlikely to cause disease. Therefore, this variant is classified as likely benign.

Illumina Laboratory Services, Illumina
Classification: Likely benign for Autosomal dominant keratitis-ichthyosis-hearing loss syndrome. Last evaluated: 2017-04-27. Review status: criteria provided, single submitter. Criteria: ICSL Variant Classification Criteria 13 December 2019. Collection method: clinical testing. Allele origin: germline.
Comment: This variant was observed as part of a predisposition screen in an ostensibly healthy population. A literature search was performed for the gene, cDNA change, and amino acid change (where applicable). No publications were found based on this search. Allele frequency data from public databases allowed determination this variant is unlikely to cause disease. Therefore, this variant is classified as likely benign.

Illumina Laboratory Services, Illumina
Classification: Likely benign for Autosomal dominant nonsyndromic hearing loss 3A. Last evaluated: 2017-04-27. Review status: criteria provided, single submitter. Criteria: ICSL Variant Classification Criteria 13 December 2019. Collection method: clinical testing. Allele origin: germline.
Comment: the same text as in the submission from Illumina Laboratory Services, Illumina above.

Women's Health and Genetics/Laboratory Corporation of America, LabCorp
Classification: Benign. Last evaluated: 2016-05-31. Review status: criteria provided, single submitter. Criteria: LabCorp Variant Classification Summary - May 2015. Collection method: clinical testing. Allele origin: germline.

Eurofins Ntd Llc (ga)
Classification: Uncertain significance. Last evaluated: 2014-10-27. Review status: criteria provided, single submitter. Criteria: EGL Classification Definitions 2015. Collection method: clinical testing. Allele origin: germline. Observed: 2 variant alleles, 2 heterozygotes.

Genetic Services Laboratory, University of Chicago
Classification: Benign. Last evaluated: 2013-02-08. Review status: criteria provided, single submitter. Criteria: ACMG Guidelines, 2007. Collection method: clinical testing. Allele origin: germline. Inheritance: Autosomal recessive inheritance.

Laboratory for Molecular Medicine, Mass General Brigham Personalized Medicine
Classification: Likely benign. Last evaluated: 2011-06-03. Review status: criteria provided, single submitter. Criteria: LMM Criteria. Collection method: clinical testing. Allele origin: germline. Observed: 1 variant allele.
Comment: The *1C>T variant was identified in the 3?UTR of GJB2. This variant is located 1 base after the termination codon. Although, this variant has been detected in i ndividuals with hearing loss, it has never been identified with a second pathoge nic GJB2 variant (Frei 2005, Samanich 2007, Tang 2006, Rabionet unpublished). In addition, it was identified at an equal frequency (0.5%) in control chromosomes (Samanich 2007). In summary, the *1C>T variant is not expected to have clinical or pathological significance because it is not predicted to affect the transcri pt and has been found at an equal frequency in controls.

PreventionGenetics, part of Exact Sciences
Classification: Likely benign for GJB2-related condition. Last evaluated: 2024-08-06. Review status: no assertion criteria provided. Collection method: clinical testing. Allele origin: germline. Not counted in ClinVar's aggregate classification.
Comment: This variant is classified as likely benign based on ACMG/AMP sequence variant interpretation guidelines (Richards et al. 2015 PMID: 25741868, with internal and published modifications).

Natera, Inc.
Classification: Uncertain significance for Autosomal recessive deafness type 1A. Last evaluated: 2020-05-19. Review status: no assertion criteria provided. Collection method: clinical testing. Allele origin: germline. Not counted in ClinVar's aggregate classification.

Counsyl
Classification: Uncertain significance for Autosomal recessive nonsyndromic hearing loss 1A. Last evaluated: 2018-05-24. Review status: no assertion criteria provided. Collection method: clinical testing. Allele origin: unknown. Not counted in ClinVar's aggregate classification.

Literature cited by the submitters: PubMed 22567369 (cited by 3 submitters); PubMed 23684175 (cited by Mayo Clinic Laboratories, Mayo Clinic and Counsyl); PubMed 33096615 (cited by Mayo Clinic Laboratories, Mayo Clinic); PubMed 17666888 (cited by Illumina Laboratory Services, Illumina and Women's Health and Genetics/Laboratory Corporation of America, LabCorp); PubMed 17041943 (cited by 4 submitters); PubMed 17357124 (cited by 4 submitters); PubMed 15744158 (cited by 4 submitters); PubMed 20022641 (cited by Women's Health and Genetics/Laboratory Corporation of America, LabCorp and Counsyl); PubMed 19887791 (cited by Counsyl).